The following is an entry in ClinVar:

ClinVar aggregate classification (germline): Benign/Likely benign. Review status: criteria provided, multiple submitters, no conflicts (2 of 4 stars). 2 submissions from 2 submitters: Benign (1); Likely benign (1). Last evaluated 2025-04-29.

Conditions:
Tuberous sclerosis 1 (TSC1). Identifiers: Orphanet 805, MedGen C1854465, MONDO:0008612, OMIM 191100.

Submissions (2):

Myriad Genetics, Inc.
Classification: Benign for Tuberous sclerosis 1. Last evaluated: 2025-04-29. Review status: criteria provided, single submitter. Criteria: Myriad Autosomal Dominant, Autosomal Recessive and X-Linked Classification Criteria (2023). Collection method: clinical testing. Allele origin: unknown.
Comment: This variant is considered benign. This variant is a silent/synonymous amino acid change and it is not expected to impact splicing.

Labcorp Genetics (formerly Invitae), Labcorp
Classification: Likely benign for Tuberous sclerosis 1. Last evaluated: 2023-03-21. Review status: criteria provided, single submitter. Criteria: Invitae Variant Classification Sherloc (09022015). Collection method: clinical testing. Allele origin: germline.

NM_000368.5(TSC1):c.2916T>C (p.Asp972=)

Gene: TSC1 (TSC complex subunit 1; minus strand). Cytogenetic location: 9q34.13.
Variant type: single nucleotide variant.
Coding change: c.2916T>C on transcript NM_000368.5 (MANE Select); coding-DNA position 2916, T replaced by C.
Protein change: p.Asp972=; no amino-acid change (aspartic acid 972 retained).
Molecular consequence: synonymous variant.
Genome position (GRCh38, 1-based): chr9:132,897,243, A>G on the plus strand (T>C on the coding strand, the complement: TSC1 is on the minus strand). VCF-style: chr9-132897243-A-G. GRCh37 (hg19) VCF-style: chr9-135772630-A-G.
Other names: c.2913T>C, p.Asp971= (NM_001162426.2); c.2763T>C, p.Asp921= (NM_001162427.2); c.2553T>C, p.Asp851= (NM_001362177.2).
Identifiers: ClinVar variation 1590757 (VCV001590757.9), dbSNP rs775179927, ClinGen allele CA467594419.